The following is an entry in ClinVar:

ClinVar aggregate classification (germline): Uncertain significance (1 of 4 stars; one submission).

gnomAD v4.1: 1 of 1,614,192 alleles (0.000062%); no homozygotes.

Submission:

Labcorp Genetics (formerly Invitae), Labcorp
Classification: Uncertain significance. Last evaluated: 2023-02-01. Review status: criteria provided, single submitter. Criteria: Invitae Variant Classification Sherloc (09022015). Collection method: clinical testing. Allele origin: germline.
Comment: In summary, the available evidence is currently insufficient to determine the role of this variant in disease. Therefore, it has been classified as a Variant of Uncertain Significance. Algorithms developed to predict the effect of missense changes on protein structure and function are either unavailable or do not agree on the potential impact of this missense change (SIFT: "Tolerated"; PolyPhen-2: "Possibly Damaging"; Align-GVGD: "Class C0"). This variant has not been reported in the literature in individuals affected with ASXL1-related conditions. This variant is not present in population databases (gnomAD no frequency). This sequence change replaces proline, which is neutral and non-polar, with arginine, which is basic and polar, at codon 519 of the ASXL1 protein (p.Pro519Arg).

NM_015338.6(ASXL1):c.1556C>G (p.Pro519Arg)

Gene: ASXL1 (ASXL transcriptional regulator 1; plus strand). Cytogenetic location: 20q11.21.
Variant type: single nucleotide variant.
Coding change: c.1556C>G on transcript NM_015338.6 (MANE Select); coding-DNA position 1556, C replaced by G.
Protein change: p.Pro519Arg; replaces proline 519 with arginine.
Molecular consequence: missense variant.
Genome position (GRCh38, 1-based): chr20:32,433,754, C>G. VCF-style: chr20-32433754-C-G. GRCh37 (hg19) VCF-style: chr20-31021557-C-G.
Other names: c.1373C>G, p.Pro458Arg (NM_001363734.1); short protein forms P458R, P519R.
Identifiers: ClinVar variation 2788934 (VCV002788934.3), dbSNP rs2515541029, ClinGen allele CA408557377.